The following is an entry in ClinVar:

ClinVar aggregate classification (germline): Uncertain significance (1 of 4 stars; one submission).

Conditions:
Inclusion body myositis (IBM). Identifiers: Orphanet 611, MedGen C0238190, MONDO:0007827, OMIM 147421.

Submission:

Broad Center for Mendelian Genomics, Broad Institute of MIT and Harvard
Classification: Uncertain significance for Inclusion body myositis. Last evaluated: 2024-11-25. Review status: criteria provided, single submitter. Criteria: ACMG Guidelines, 2015. Collection method: curation. Allele origin: germline. Inheritance: X-linked inheritance. Study: GREGoR Consortium.
Comment: While this gene is still lacking sufficient evidence to establish a gene-disease relationship, we believe this is a possible novel gene candidate for inclusion body myositis. Given the limited information about this gene-disease relationship, the significance of the c.68-5755G>T variant is uncertain. If you have any additional information about functional evidence or other individuals with this phenotype that also have variants in CD99L2 we encourage you to reach out to us.

NM_031462.4(CD99L2):c.68-5755G>T

Gene: CD99L2 (CD99 molecule like 2; minus strand). Cytogenetic location: Xq28.
Variant type: single nucleotide variant.
Coding change: c.68-5755G>T on transcript NM_031462.4 (MANE Select); 5755 bases into the intron before coding-DNA position 68, G replaced by T.
Molecular consequence: intron variant.
Genome position (GRCh38, 1-based): chrX:150,837,048, C>A on the plus strand (G>T on the coding strand, the complement: CD99L2 is on the minus strand). VCF-style: chrX-150837048-C-A. GRCh37 (hg19) VCF-style: chrX-150005521-C-A.
Other names: NM_001242614.2:c.68-5755G>T; c.68-5755G>T (NM_134445.4, NM_134446.4, NM_001184808.2 and 1 more transcripts).
Identifiers: ClinVar variation 3383300 (VCV003383300.1).